The following is an entry in ClinVar:

ClinVar aggregate classification (germline): Likely benign (0 of 4 stars; one submission).

Conditions:
CEMIP-related disorder. Also called: CEMIP-related condition.

Allele frequency attached by ClinVar (database versions not stated): gnomAD 0.00007; gnomAD exomes 0.00007; ESP Exome Variant Server 0.00008; TOPMed 0.00011; 1000 Genomes Project 30x 0.00016; ExAC 0.00019; 1000 Genomes Project 0.00020.
gnomAD v4.1: 113 of 1,614,112 alleles (0.007%); highest among the groups gnomAD compares: East Asian, 0.049%; no homozygotes.

Submission:

PreventionGenetics, part of Exact Sciences
Classification: Likely benign for CEMIP-related condition. Last evaluated: 2019-02-19. Review status: no assertion criteria provided. Collection method: clinical testing. Allele origin: germline.
Comment: This variant is classified as likely benign based on ACMG/AMP sequence variant interpretation guidelines (Richards et al. 2015 PMID: 25741868, with internal and published modifications).

NM_001293298.2(CEMIP):c.1668G>A (p.Pro556=)

Gene: CEMIP (cell migration inducing hyaluronidase 1; plus strand). Cytogenetic location: 15q25.1.
Variant type: single nucleotide variant.
Coding change: c.1668G>A on transcript NM_001293298.2 (MANE Select); coding-DNA position 1668, G replaced by A.
Protein change: p.Pro556=; no amino-acid change (proline 556 retained).
Molecular consequence: synonymous variant.
Genome position (GRCh38, 1-based): chr15:80,909,177, G>A. VCF-style: chr15-80909177-G-A. GRCh37 (hg19) VCF-style: chr15-81201518-G-A.
Other names: c.1668G>A, p.Pro556= (NM_001293304.2, NM_018689.3).
Identifiers: ClinVar variation 3046778 (VCV003046778.2), dbSNP rs377174220, ClinGen allele CA7693027.